The following is an entry in ClinVar:

NM_001385875.1(ZFYVE27):c.897+1G>A

Gene: ZFYVE27 (zinc finger FYVE-type containing 27; plus strand). Cytogenetic location: 10q24.2.
Variant type: single nucleotide variant.
Coding change: c.897+1G>A on transcript NM_001385875.1 (MANE Select); the canonical splice donor site of the intron after coding-DNA position 897, G replaced by A.
Molecular consequence: splice donor variant. On other transcripts: intron variant (29).
Genome position (GRCh38, 1-based): chr10:97,752,878, G>A. VCF-style: chr10-97752878-G-A. GRCh37 (hg19) VCF-style: chr10-99512635-G-A.
Other names: c.781-160G>A (NM_001385889.1, NM_001174119.2); c.876+1G>A (NM_001385881.1); c.655-160G>A (NM_001385904.1, NM_001385903.1); c.660+1G>A (NM_001385900.1, NM_001385899.1); c.640-160G>A (NM_001385905.1); c.544-160G>A (NM_001385916.1); c.654+1G>A (NM_001385901.1, NM_001385902.1); c.634-160G>A (NM_001385911.1); and 17 more.
Identifiers: ClinVar variation 427085 (VCV000427085.4), dbSNP rs1085307948, ClinGen allele CA377997925.

ClinVar aggregate classification (germline): Uncertain significance (1 of 4 stars; one submission).

Allele frequency attached by ClinVar (database versions not stated): gnomAD exomes below 0.00001.
gnomAD v4.1: 3 of 1,330,636 alleles (0.00023%); highest among the groups gnomAD compares: Non-Finnish European, 0.00032%; no homozygotes.

Submission:

GeneDx
Classification: Uncertain significance. Last evaluated: 2025-10-03. Review status: criteria provided, single submitter. Criteria: GeneDx Variant Classification Process June 2021. Collection method: clinical testing. Allele origin: germline. Affected: yes.
Comment: Not observed at significant frequency in large population cohorts (gnomAD); Canonical splice site variant with an unclear effect on protein function; Has not been previously published as pathogenic or benign to our knowledge; Variants in candidate genes are classified as variants of uncertain significance in accordance with ACMG guidelines (PMID: 25741868)